The following is an entry in ClinVar:

ClinVar aggregate classification (germline): Uncertain significance (1 of 4 stars; one submission).

Conditions:
MBD5-related disorder. Also called: MBD5-related condition.

gnomAD v4.1: 2 of 1,611,574 alleles (0.00012%); highest among the groups gnomAD compares: Non-Finnish European, 0.00017%; no homozygotes.

Submission:

PreventionGenetics, part of Exact Sciences
Classification: Uncertain significance for MBD5-related condition. Last evaluated: 2025-06-11. Review status: criteria provided, single submitter. Criteria: ACMG Guidelines, 2015. Collection method: clinical testing. Allele origin: germline.
Comment: The MBD5 c.2473C>T variant is predicted to result in the amino acid substitution p.Pro825Ser. To our knowledge, this variant has not been reported in the literature or in a large population database (gnomAD), indicating this variant is rare. At this time, the clinical significance of this variant is uncertain due to the absence of conclusive functional and genetic evidence.

NM_001378120.1(MBD5):c.2473C>T (p.Pro825Ser)

Gene: MBD5 (methyl-CpG binding domain protein 5; plus strand). Cytogenetic location: 2q23.1.
Variant type: single nucleotide variant.
Coding change: c.2473C>T on transcript NM_001378120.1 (MANE Select); coding-DNA position 2473, C replaced by T.
Protein change: p.Pro825Ser; replaces proline 825 with serine.
Molecular consequence: missense variant.
Genome position (GRCh38, 1-based): chr2:148,470,416, C>T. VCF-style: chr2-148470416-C-T. GRCh37 (hg19) VCF-style: chr2-149227985-C-T.
Other names: c.2473C>T, p.Pro825Ser (NM_001438854.1, NM_001438855.1, NM_001438856.1 and 7 more transcripts); short protein forms P825S.
Identifiers: ClinVar variation 4996892 (VCV004996892.1).